The following is an entry in ClinVar:

NM_006766.5(KAT6A):c.3776A>G (p.Asn1259Ser)

Gene: KAT6A (lysine acetyltransferase 6A; minus strand). Cytogenetic location: 8p11.21.
Variant type: single nucleotide variant.
Coding change: c.3776A>G on transcript NM_006766.5 (MANE Select); coding-DNA position 3776, A replaced by G.
Protein change: p.Asn1259Ser; replaces asparagine 1259 with serine.
Molecular consequence: missense variant.
Genome position (GRCh38, 1-based): chr8:41,934,444, T>C on the plus strand (A>G on the coding strand, the complement: KAT6A is on the minus strand). VCF-style: chr8-41934444-T-C. GRCh37 (hg19) VCF-style: chr8-41791962-T-C.
Other names: short protein forms N1259S.
Identifiers: ClinVar variation 1944874 (VCV001944874.5), dbSNP rs1587709912, ClinGen allele CA371068408.

ClinVar aggregate classification (germline): Uncertain significance (1 of 4 stars; one submission).

Allele frequency attached by ClinVar (database versions not stated): gnomAD exomes below 0.00001; gnomAD 0.00001.
gnomAD v4.1: 5 of 1,608,310 alleles (0.00031%); highest among the groups gnomAD compares: Non-Finnish European, 0.00034%; no homozygotes.

Submission:

Labcorp Genetics (formerly Invitae), Labcorp
Classification: Uncertain significance. Last evaluated: 2022-05-25. Review status: criteria provided, single submitter. Criteria: Invitae Variant Classification Sherloc (09022015). Collection method: clinical testing. Allele origin: germline.
Comment: In summary, the available evidence is currently insufficient to determine the role of this variant in disease. Therefore, it has been classified as a Variant of Uncertain Significance. Algorithms developed to predict the effect of missense changes on protein structure and function are either unavailable or do not agree on the potential impact of this missense change (SIFT: "Tolerated"; PolyPhen-2: "Not Available"; Align-GVGD: "Class C0"). This variant has not been reported in the literature in individuals affected with KAT6A-related conditions. This variant is not present in population databases (gnomAD no frequency). This sequence change replaces asparagine, which is neutral and polar, with serine, which is neutral and polar, at codon 1259 of the KAT6A protein (p.Asn1259Ser).